The following is an entry in ClinVar:

NM_000455.5(STK11):c.229G>A (p.Val77Ile)

Gene: STK11 (serine/threonine kinase 11; plus strand). Cytogenetic location: 19p13.3.
Variant type: single nucleotide variant.
Coding change: c.229G>A on transcript NM_000455.5 (MANE Select); coding-DNA position 229, G replaced by A.
Protein change: p.Val77Ile; replaces valine 77 with isoleucine.
Molecular consequence: missense variant.
Genome position (GRCh38, 1-based): chr19:1,207,142, G>A. VCF-style: chr19-1207142-G-A. GRCh37 (hg19) VCF-style: chr19-1207141-G-A.
Other names: short protein forms V77I.
Identifiers: ClinVar variation 580328 (VCV000580328.12), dbSNP rs1167680274, ClinGen allele CA402944419.

ClinVar aggregate classification (germline): Uncertain significance. Review status: criteria provided, multiple submitters, no conflicts (2 of 4 stars). 3 submissions from 3 submitters: Uncertain significance (3). Last evaluated 2025-12-01.

Conditions:
Hereditary cancer-predisposing syndrome. Also called: Hereditary neoplastic syndrome; Tumor predisposition; Hereditary Cancer Syndrome; Neoplastic Syndromes, Hereditary. Identifiers: Orphanet 140162, MedGen C0027672, MeSH D009386, MONDO:0015356.
Melanoma, cutaneous malignant, susceptibility to, 1 (CMM1). Also called: B-K MOLE SYNDROME; FAMILIAL ATYPICAL MOLE-MALIGNANT MELANOMA SYNDROME; DYSPLASTIC NEVUS SYNDROME, HEREDITARY; MELANOMA, MALIGNANT. Identifiers: Orphanet 618, MedGen C1835047, MONDO:0007963, OMIM 155600.
Peutz-Jeghers syndrome (PJS). Also called: POLYPOSIS, HAMARTOMATOUS INTESTINAL; POLYPS-AND-SPOTS SYNDROME; Peutz-Jeghers polyposis; Periorificial lentiginosis syndrome. Identifiers: Orphanet 2869, MedGen C0031269, MeSH D010580, MONDO:0008280, OMIM 175200.

Submissions (3):

Ambry Genetics
Classification: Uncertain significance for Hereditary cancer-predisposing syndrome. Last evaluated: 2025-12-01. Review status: criteria provided, single submitter. Criteria: Ambry Variant Classification Scheme 2023. Collection method: clinical testing. Allele origin: germline.
Comment: The p.V77I variant (also known as c.229G>A), located in coding exon 1 of the STK11 gene, results from a G to A substitution at nucleotide position 229. The valine at codon 77 is replaced by isoleucine, an amino acid with highly similar properties. This amino acid position is highly conserved in available vertebrate species. In addition, the in silico prediction for this alteration is inconclusive. Based on the available evidence, the clinical significance of this variant remains unclear.

Baylor Genetics
Classification: Uncertain significance for Melanoma, cutaneous malignant, susceptibility to, 1. Last evaluated: 2023-06-06. Review status: criteria provided, single submitter. Criteria: ACMG Guidelines, 2015. Collection method: clinical testing. Allele origin: unknown.

Labcorp Genetics (formerly Invitae), Labcorp
Classification: Uncertain significance for Peutz-Jeghers syndrome. Last evaluated: 2022-03-14. Review status: criteria provided, single submitter. Criteria: Invitae Variant Classification Sherloc (09022015). Collection method: clinical testing. Allele origin: germline.
Comment: This sequence change replaces valine, which is neutral and non-polar, with isoleucine, which is neutral and non-polar, at codon 77 of the STK11 protein (p.Val77Ile). This variant is not present in population databases (gnomAD no frequency). This variant has not been reported in the literature in individuals affected with STK11-related conditions. ClinVar contains an entry for this variant (Variation ID: 580328). Advanced modeling of protein sequence and biophysical properties (such as structural, functional, and spatial information, amino acid conservation, physicochemical variation, residue mobility, and thermodynamic stability) performed at Invitae indicates that this missense variant is not expected to disrupt STK11 protein function. In summary, the available evidence is currently insufficient to determine the role of this variant in disease. Therefore, it has been classified as a Variant of Uncertain Significance.